The following is an entry in ClinVar:

ClinVar aggregate classification (germline): Uncertain significance (1 of 4 stars; one submission).

Submission:

CeGaT Center for Human Genetics Tuebingen
Classification: Uncertain significance. Last evaluated: 2026-02-01. Review status: criteria provided, single submitter. Criteria: CeGaT Center For Human Genetics Tuebingen Variant Classification Criteria Version 2. Collection method: clinical testing. Allele origin: germline. Affected: yes. Observed: 1 variant allele.
Comment: RP1L1: PM2, BP4

NM_178857.6(RP1L1):c.6266A>G (p.Glu2089Gly)

Gene: RP1L1 (RP1 like 1). Cytogenetic location: 8p23.1.
Variant type: single nucleotide variant.
Coding change: c.6266A>G on transcript NM_178857.6 (MANE Select); coding-DNA position 6266, A replaced by G.
Protein change: p.Glu2089Gly; replaces glutamic acid 2089 with glycine.
Molecular consequence: missense variant.
Genome position (GRCh38, 1-based): chr8:10,607,832, T>C on the plus strand (A>G on the coding strand, the complement: RP1L1 is on the minus strand). VCF-style: chr8-10607832-T-C. GRCh37 (hg19) VCF-style: chr8-10465342-T-C.
Other names: short protein forms E2089G.
Identifiers: ClinVar variation 4822057 (VCV004822057.4).